The following is an entry in ClinVar:

NM_015378.4(VPS13D):c.4507dup (p.Glu1503fs)

Gene: VPS13D (vacuolar protein sorting 13 homolog D; plus strand). Cytogenetic location: 1p36.22.
Variant type: Duplication.
Coding change: c.4507dup on transcript NM_015378.4 (MANE Select); coding-DNA position 4507, one base duplicated (G; older notation c.4507dupG).
Protein change: p.Glu1503fs; shifts the reading frame from glutamic acid 1503.
Molecular consequence: frameshift variant.
Genome position (GRCh38, 1-based): chr1:12,279,555, G duplicated. VCF-style (leftmost placement, unchanged base first): chr1-12279554-A-AG. GRCh37 (hg19) VCF-style: chr1-12339611-A-AG.
Other names: c.4507dup, p.Glu1503fs (NM_018156.4); short protein forms E1503fs.
Identifiers: ClinVar variation 1369904 (VCV001369904.6), dbSNP rs779344464, ClinGen allele CA602155.
Genomic context (GRCh38, chr1:12,279,554, plus strand): 5'-GCCAGCTTTTCACATCCTGAACAACACCACCATTCAGTTTAAACTGGAGAAGATCCCTAT[A>AG]GAGAGAGAATCTGAATTGACTTTTTCTCTTAGCCCAGATGACCTGGGAACTTCTAGCATC-3'

ClinVar aggregate classification (germline): Pathogenic (1 of 4 stars; one submission).

Allele frequency attached by ClinVar (database versions not stated): gnomAD exomes below 0.00001; ExAC 0.00001.

Submission:

Labcorp Genetics (formerly Invitae), Labcorp
Classification: Pathogenic. Last evaluated: 2021-04-06. Review status: criteria provided, single submitter. Criteria: Invitae Variant Classification Sherloc (09022015). Collection method: clinical testing. Allele origin: germline.
Comment: This sequence change creates a premature translational stop signal (p.Glu1503Glyfs*5) in the VPS13D gene. It is expected to result in an absent or disrupted protein product. Loss-of-function variants in VPS13D are known to be pathogenic (PMID: 29518281). This variant is present in population databases (rs779344464, ExAC 0.001%). This variant has not been reported in the literature in individuals with VPS13D-related conditions. For these reasons, this variant has been classified as Pathogenic.

Literature cited by the submitters: PubMed 29518281.